The following is an entry in ClinVar:

NM_144997.7(FLCN):c.386T>G (p.Leu129Arg)

Gene: FLCN (folliculin; minus strand). Cytogenetic location: 17p11.2.
Variant type: single nucleotide variant.
Coding change: c.386T>G on transcript NM_144997.7 (MANE Select); coding-DNA position 386, T replaced by G.
Protein change: p.Leu129Arg; replaces leucine 129 with arginine.
Molecular consequence: missense variant.
Genome position (GRCh38, 1-based): chr17:17,226,186, A>C on the plus strand (T>G on the coding strand, the complement: FLCN is on the minus strand). VCF-style: chr17-17226186-A-C. GRCh37 (hg19) VCF-style: chr17-17129500-A-C.
Other names: c.386T>G, p.Leu129Arg (NM_001353229.2, NM_001353230.2, NM_001353231.2 and 1 more transcripts); short protein forms L129R.
Identifiers: ClinVar variation 1735695 (VCV001735695.2), dbSNP rs2544279742, ClinGen allele CA398534694.

ClinVar aggregate classification (germline): Uncertain significance (1 of 4 stars; one submission).

Conditions:
Hereditary cancer-predisposing syndrome. Also called: Neoplastic Syndromes, Hereditary; Tumor predisposition; Hereditary Cancer Syndrome; Hereditary neoplastic syndrome. Identifiers: Orphanet 140162, MedGen C0027672, MeSH D009386, MONDO:0015356.

Submission:

Ambry Genetics
Classification: Uncertain significance for Hereditary cancer-predisposing syndrome. Last evaluated: 2022-07-29. Review status: criteria provided, single submitter. Criteria: Ambry Variant Classification Scheme 2023. Collection method: clinical testing. Allele origin: germline.
Comment: The p.L129R variant (also known as c.386T>G), located in coding exon 2 of the FLCN gene, results from a T to G substitution at nucleotide position 386. The leucine at codon 129 is replaced by arginine, an amino acid with dissimilar properties. This amino acid position is conserved. In addition, this alteration is predicted to be deleterious by in silico analysis. Since supporting evidence is limited at this time, the clinical significance of this alteration remains unclear.